The following is an entry in ClinVar:

ClinVar aggregate classification (germline): Uncertain significance (1 of 4 stars; one submission).

Conditions:
Psoriasis 2. Identifiers: MedGen C1864497, MONDO:0011269, OMIM 602723.
Pityriasis rubra pilaris (PRP). Also called: Pityriasis rubra pilaris--familial type. Identifiers: Orphanet 2897, MedGen C0032027, MONDO:0100017, OMIM 173200, MONDO:0008251.

Submission:

Labcorp Genetics (formerly Invitae), Labcorp
Classification: Uncertain significance for Pityriasis rubra pilaris; Psoriasis 2. Last evaluated: 2022-05-12. Review status: criteria provided, single submitter. Criteria: Invitae Variant Classification Sherloc (09022015). Collection method: clinical testing. Allele origin: germline.
Comment: This sequence change replaces methionine, which is neutral and non-polar, with lysine, which is basic and polar, at codon 557 of the CARD14 protein (p.Met557Lys). This variant is not present in population databases (gnomAD no frequency). This variant has not been reported in the literature in individuals affected with CARD14-related conditions. Algorithms developed to predict the effect of missense changes on protein structure and function (SIFT, PolyPhen-2, Align-GVGD) all suggest that this variant is likely to be tolerated. In summary, the available evidence is currently insufficient to determine the role of this variant in disease. Therefore, it has been classified as a Variant of Uncertain Significance.

NM_001366385.1(CARD14):c.1670T>A (p.Met557Lys)

Gene: CARD14 (caspase recruitment domain family member 14; plus strand). Cytogenetic location: 17q25.3.
Variant type: single nucleotide variant.
Coding change: c.1670T>A on transcript NM_001366385.1 (MANE Select); coding-DNA position 1670, T replaced by A.
Protein change: p.Met557Lys; replaces methionine 557 with lysine.
Molecular consequence: missense variant. On other transcripts: non-coding transcript variant (1).
Genome position (GRCh38, 1-based): chr17:80,198,410, T>A. VCF-style: chr17-80198410-T-A. GRCh37 (hg19) VCF-style: chr17-78172209-T-A.
Other names: c.1670T>A, p.Met557Lys (NM_001257970.1, NM_024110.4); c.959T>A, p.Met320Lys (NM_052819.3); short protein forms M320K, M557K.
Identifiers: ClinVar variation 1991621 (VCV001991621.4), dbSNP rs1473368069, ClinGen allele CA401350821.